The following is an entry in ClinVar:

NM_001385012.1(NBEA):c.2845-1G>A

Gene: NBEA (neurobeachin; plus strand). Cytogenetic location: 13q13.3.
Variant type: single nucleotide variant.
Coding change: c.2845-1G>A on transcript NM_001385012.1 (MANE Select); the canonical splice acceptor site of the intron before coding-DNA position 2845, G replaced by A.
Molecular consequence: splice acceptor variant.
Genome position (GRCh38, 1-based): chr13:35,159,015, G>A. VCF-style: chr13-35159015-G-A. GRCh37 (hg19) VCF-style: chr13-35733152-G-A.
Other names: c.2845-1G>A (NM_015678.5, NM_001379245.1).
Identifiers: ClinVar variation 2635278 (VCV002635278.2), dbSNP rs2503620997, ClinGen allele CA387836145.

ClinVar aggregate classification (germline): Likely pathogenic (1 of 4 stars; one submission).

Conditions:
NBEA-related disorder. Also called: NBEA-related condition.

Submission:

PreventionGenetics, part of Exact Sciences
Classification: Likely pathogenic for NBEA-related condition. Last evaluated: 2025-12-28. Review status: criteria provided, single submitter. Criteria: ACMG Guidelines, 2015. Collection method: clinical testing. Allele origin: germline.
Comment: The NBEA c.2845-1G>A variant is predicted to disrupt the AG splice acceptor site and interfere with normal splicing. To our knowledge, this variant has not been reported in the literature or in a large population database, indicating this variant is rare. Variants that disrupt the consensus splice acceptor site in NBEA are expected to be pathogenic. This variant is interpreted as likely pathogenic.